The following is an entry in ClinVar:

NM_002541.4(OGDH):c.89C>T (p.Ala30Val)

Gene: OGDH (oxoglutarate dehydrogenase; plus strand). Cytogenetic location: 7p13.
Variant type: single nucleotide variant.
Coding change: c.89C>T on transcript NM_002541.4 (MANE Select); coding-DNA position 89, C replaced by T.
Protein change: p.Ala30Val; replaces alanine 30 with valine.
Molecular consequence: missense variant.
Genome position (GRCh38, 1-based): chr7:44,624,432, C>T. VCF-style: chr7-44624432-C-T. GRCh37 (hg19) VCF-style: chr7-44664031-C-T.
Other names: c.89C>T, p.Ala30Val (NM_001003941.3, NM_001165036.2, NM_001363523.2); short protein forms A30V.
Identifiers: ClinVar variation 2063678 (VCV002063678.4), dbSNP rs200510227, ClinGen allele CA4243459.
Genomic context (GRCh38, chr7:44,624,432, plus strand): 5'-AGTTGAGGCCATTGACGGCTTCCCAGACTGTTAAGACATTTTCACAAAACAGACCAGCAG[C>T]AGCTAGGACATTTCAACAGATTCGGTGCTATTCTGCACCTGTTGCTGCTGAGCCCTTTCT-3'
Protein context (NP_002532.2, residues 20-40): VKTFSQNRPA[Ala30Val]ARTFQQIRCY

ClinVar aggregate classification (germline): Uncertain significance (1 of 4 stars; one submission).

Conditions:
Oxoglutaricaciduria. Identifiers: Orphanet 31, MedGen C2752074, MONDO:0008759, OMIM 203740.

Allele frequency attached by ClinVar (database versions not stated): gnomAD exomes 0.00001; 1000 Genomes Project 30x 0.00031; gnomAD 0.00003; TOPMed 0.00002; ExAC 0.00003; 1000 Genomes Project 0.00040.
gnomAD v4.1: 28 of 1,613,356 alleles (0.0017%); highest among the groups gnomAD compares: Middle Eastern, 0.016%; no homozygotes.

Submission:

Labcorp Genetics (formerly Invitae), Labcorp
Classification: Uncertain significance for Oxoglutaricaciduria. Last evaluated: 2022-06-26. Review status: criteria provided, single submitter. Criteria: Invitae Variant Classification Sherloc (09022015). Collection method: clinical testing. Allele origin: germline.
Comment: In summary, the available evidence is currently insufficient to determine the role of this variant in disease. Therefore, it has been classified as a Variant of Uncertain Significance. Algorithms developed to predict the effect of sequence changes on RNA splicing suggest that this variant may disrupt the consensus splice site. Algorithms developed to predict the effect of missense changes on protein structure and function (SIFT, PolyPhen-2, Align-GVGD) all suggest that this variant is likely to be tolerated. This variant has not been reported in the literature in individuals affected with OGDH-related conditions. This variant is present in population databases (rs200510227, gnomAD 0.03%). This sequence change replaces alanine, which is neutral and non-polar, with valine, which is neutral and non-polar, at codon 30 of the OGDH protein (p.Ala30Val).